The following is an entry in ClinVar:

NC_000023.10:g.(?_43515570)_(43603780_?)del

Gene: MAOA (monoamine oxidase A; plus strand). Cytogenetic location: Xp11.3.
Variant type: Deletion.
Identifiers: ClinVar variation 1071006 (VCV001071006.1).

ClinVar aggregate classification (germline): Pathogenic (1 of 4 stars; one submission).

Conditions:
Brunner syndrome (BRNRS). Identifiers: Orphanet 3057, MedGen C0796275, MONDO:0010379, OMIM 300615.

Submission:

Labcorp Genetics (formerly Invitae), Labcorp
Classification: Pathogenic for Brunner syndrome. Last evaluated: 2020-09-14. Review status: criteria provided, single submitter. Criteria: Invitae Variant Classification Sherloc (09022015). Collection method: clinical testing. Allele origin: germline.
Comment: A gross deletion of the genomic region encompassing the full coding sequence of the MAOA gene has been identified. The boundaries of this event are unknown as the deletion extends beyond the assayed region for this gene and therefore may encompass additional genes. This variant has not been reported in the literature in individuals with MAOA-related conditions. Loss-of-function variants in MAOA are known to be pathogenic (PMID: 8211186). For these reasons, this variant has been classified as Pathogenic.

Literature cited by the submitters: PubMed 8211186.